The following is an entry in ClinVar:

ClinVar aggregate classification (germline): Uncertain significance (1 of 4 stars; one submission).

Conditions:
Cardiovascular phenotype. Identifiers: MedGen CN230736.

Submission:

Ambry Genetics
Classification: Uncertain significance for Cardiovascular phenotype. Last evaluated: 2025-08-20. Review status: criteria provided, single submitter. Criteria: Ambry Variant Classification Scheme 2023. Collection method: clinical testing. Allele origin: germline.
Comment: The p.E2618K variant (also known as c.7852G>A), located in coding exon 38 of the ANK2 gene, results from a G to A substitution at nucleotide position 7852. The glutamic acid at codon 2618 is replaced by lysine, an amino acid with similar properties. This amino acid position is conserved. In addition, this alteration is predicted to be tolerated by in silico analysis. Based on the available evidence, the clinical significance of this variant remains unclear.

NM_001148.6(ANK2):c.7852G>A (p.Glu2618Lys)

Genes: ANK2 (ankyrin 2; plus strand), LOC126807137 (CDK7 strongly-dependent group 2 enhancer GRCh37_chr4:114276560-114277759; plus strand). Cytogenetic location: 4q26.
Variant type: single nucleotide variant.
Coding change: c.7852G>A on transcript NM_001148.6 (MANE Select); coding-DNA position 7852, G replaced by A.
Protein change: p.Glu2618Lys; replaces glutamic acid 2618 with lysine.
Molecular consequence: missense variant. On other transcripts: intron variant (68).
Genome position (GRCh38, 1-based): chr4:113,356,470, G>A. VCF-style: chr4-113356470-G-A. GRCh37 (hg19) VCF-style: chr4-114277626-G-A.
Other names: c.7618G>A, p.Glu2540Lys (NM_001386142.1); c.4252G>A, p.Glu1418Lys (NM_001386166.1); c.7993G>A, p.Glu2665Lys (NM_001386174.1); c.7969G>A, p.Glu2657Lys (NM_001386175.1); c.4412-4353G>A (NM_001386186.2, NM_001386148.2); c.4214-4353G>A (NM_001354269.3); c.4292-4353G>A (NM_001386187.2); c.4253-4353G>A (NM_001386147.1); and 35 more; short protein forms E2540K, E1418K, E2657K, E2618K, E2665K.
Identifiers: ClinVar variation 4096732 (VCV004096732.1).